The following is an entry in ClinVar:

NM_000487.6(ARSA):c.592G>A (p.Gly198Arg)

Gene: ARSA (arylsulfatase A; minus strand). Cytogenetic location: 22q13.33.
Variant type: single nucleotide variant.
Coding change: c.592G>A on transcript NM_000487.6 (MANE Select); coding-DNA position 592, G replaced by A.
Protein change: p.Gly198Arg; replaces glycine 198 with arginine.
Molecular consequence: missense variant.
Genome position (GRCh38, 1-based): chr22:50,626,926, C>T on the plus strand (G>A on the coding strand, the complement: ARSA is on the minus strand). VCF-style: chr22-50626926-C-T. GRCh37 (hg19) VCF-style: chr22-51065354-C-T.
Other names: c.592G>A, p.Gly198Arg (NM_001085425.3, NM_001085426.3, NM_001085427.3); c.334G>A, p.Gly112Arg (NM_001085428.3, NM_001362782.2); short protein forms G112R, G198R.
Identifiers: ClinVar variation 854531 (VCV000854531.11), dbSNP rs144393886, ClinGen allele CA10324971.
Genomic context (GRCh38, chr22:50,626,926, plus strand): 5'-CCTGGCGCTGGGCGTCGGCCATGAGGTCATGGGCGAAAGCCATGTAGCGGGCCTCTAGTC[C>T]GGGCAGCCAGGGGGGCTGCGCCTCCACGGACAGGTTGGCCAACAGTGGGATGGGGACCAG-3'
Protein context (NP_000478.3, residues 188-208): SVEAQPPWLP[Gly198Arg]LEARYMAFAH

ClinVar aggregate classification (germline): Conflicting classifications of pathogenicity. Review status: criteria provided, conflicting classifications (1 of 4 stars). 4 submissions from 4 submitters: Uncertain significance (2); Likely benign (1). 1 of the submissions does not count toward it. Last evaluated 2022-10-13.

Conditions:
Inborn genetic diseases. Identifiers: MedGen C0950123, MeSH D030342.
Metachromatic leukodystrophy (MLD). Also called: Cerebral sclerosis diffuse metachromatic form; Arylsulfatase A Deficiency; METACHROMATIC LEUKOENCEPHALOPATHY; SULFATIDE LIPIDOSIS; ARSA DEFICIENCY; CEREBROSIDE SULFATASE DEFICIENCY. Identifiers: Orphanet 512, MedGen C0023522, MONDO:0018868, OMIM 250100.

Allele frequency attached by ClinVar (database versions not stated): TOPMed 0.00002; ExAC 0.00004; gnomAD 0.00004 and 0.00002; ESP Exome Variant Server 0.00008; 1000 Genomes Project 30x 0.00016; 1000 Genomes Project 0.00020.
gnomAD v4.1: 53 of 1,613,278 alleles (0.0033%); highest among the groups gnomAD compares: Middle Eastern, 0.016%; 1 homozygote.

Submissions (4):

Ambry Genetics
Classification: Likely benign for Inborn genetic diseases. Last evaluated: 2022-10-13. Review status: criteria provided, single submitter. Criteria: Ambry Variant Classification Scheme 2023. Collection method: clinical testing. Allele origin: germline.

Labcorp Genetics (formerly Invitae), Labcorp
Classification: Uncertain significance for Metachromatic leukodystrophy. Last evaluated: 2022-07-05. Review status: criteria provided, single submitter. Criteria: Invitae Variant Classification Sherloc (09022015). Collection method: clinical testing. Allele origin: germline.
Comment: This sequence change replaces glycine, which is neutral and non-polar, with arginine, which is basic and polar, at codon 198 of the ARSA protein (p.Gly198Arg). This variant is present in population databases (rs144393886, gnomAD 0.01%). This variant has not been reported in the literature in individuals affected with ARSA-related conditions. ClinVar contains an entry for this variant (Variation ID: 854531). Advanced modeling of protein sequence and biophysical properties (such as structural, functional, and spatial information, amino acid conservation, physicochemical variation, residue mobility, and thermodynamic stability) performed at Invitae indicates that this missense variant is expected to disrupt ARSA protein function. Algorithms developed to predict the effect of sequence changes on RNA splicing suggest that this variant may create or strengthen a splice site. In summary, the available evidence is currently insufficient to determine the role of this variant in disease. Therefore, it has been classified as a Variant of Uncertain Significance.

Revvity Omics, Revvity
Classification: Uncertain significance for Metachromatic leukodystrophy. Last evaluated: 2020-11-13. Review status: criteria provided, single submitter. Criteria: ACMG Guidelines, 2015. Collection method: clinical testing. Allele origin: germline.

Natera, Inc.
Classification: Uncertain significance for Metachromatic leukodystrophy. Last evaluated: 2020-02-13. Review status: no assertion criteria provided. Collection method: clinical testing. Allele origin: germline. Not counted in ClinVar's aggregate classification.